The following is an entry in ClinVar:

ClinVar aggregate classification (germline): Uncertain significance (1 of 4 stars; one submission).

Submission:

GeneDx
Classification: Uncertain significance. Last evaluated: 2022-07-15. Review status: criteria provided, single submitter. Criteria: GeneDx Variant Classification Process June 2021. Collection method: clinical testing. Allele origin: germline. Affected: yes.
Comment: Not observed at significant frequency in large population cohorts (gnomAD); In silico analysis supports that this missense variant has a deleterious effect on protein structure/function; Has not been previously published as pathogenic or benign to our knowledge

NM_001393769.1(MED12L):c.96G>C (p.Lys32Asn)

Gene: MED12L (mediator complex subunit 12L; plus strand). Cytogenetic location: 3q25.1.
Variant type: single nucleotide variant.
Coding change: c.96G>C on transcript NM_001393769.1 (MANE Select); coding-DNA position 96, G replaced by C.
Protein change: p.Lys32Asn; replaces lysine 32 with asparagine.
Molecular consequence: missense variant.
Genome position (GRCh38, 1-based): chr3:151,087,022, G>C. VCF-style: chr3-151087022-G-C. GRCh37 (hg19) VCF-style: chr3-150804809-G-C.
Other names: c.96G>C, p.Lys32Asn (NM_053002.6); short protein forms K32N.
Identifiers: ClinVar variation 1878794 (VCV001878794.1), dbSNP rs2529225857, ClinGen allele CA355016541.